The following is an entry in ClinVar:

NM_004563.4(PCK2):c.1498A>G (p.Met500Val)

Genes: NRL (neural retina leucine zipper; minus strand), PCK2 (phosphoenolpyruvate carboxykinase 2, mitochondrial; plus strand). Cytogenetic location: 14q12.
Variant type: single nucleotide variant.
Coding change: c.1498A>G on transcript NM_004563.4 (MANE Select); coding-DNA position 1498, A replaced by G.
Protein change: p.Met500Val; replaces methionine 500 with valine.
Molecular consequence: missense variant. On other transcripts: intron variant (3).
Genome position (GRCh38, 1-based): chr14:24,103,539, A>G. VCF-style: chr14-24103539-A-G. GRCh37 (hg19) VCF-style: chr14-24572748-A-G.
Other names: c.1096A>G, p.Met366Val (NM_001291556.2, NM_001308054.2); c.-28+11183T>C (NM_001354768.3, NM_001354770.2); c.-254+11183T>C (NM_006177.5); short protein forms M366V, M500V.
Identifiers: ClinVar variation 3603633 (VCV003603633.2).
Genomic context (GRCh38, chr14:24,103,539, plus strand): 5'-AGATTCCTTACCCATCTTGCTTCCCCCCCAGGGAAGATCATCATGCACGACCCATTTGCC[A>G]TGCGGCCCTTTTTTGGCTACAACTTCGGGCACTACCTGGAACACTGGCTGAGCATGGAAG-3'
Protein context (NP_004554.3, residues 490-510): GKIIMHDPFA[Met500Val]RPFFGYNFGH

ClinVar aggregate classification (germline): Uncertain significance (1 of 4 stars; one submission).

gnomAD v4.1: 3 of 1,563,242 alleles (0.00019%); highest among the groups gnomAD compares: Middle Eastern, 0.035%; no homozygotes.

Submission:

Labcorp Genetics (formerly Invitae), Labcorp
Classification: Uncertain significance. Last evaluated: 2024-08-23. Review status: criteria provided, single submitter. Criteria: Invitae Variant Classification Sherloc (09022015). Collection method: clinical testing. Allele origin: germline.
Comment: This sequence change replaces methionine, which is neutral and non-polar, with valine, which is neutral and non-polar, at codon 500 of the PCK2 protein (p.Met500Val). This variant is not present in population databases (gnomAD no frequency). This variant has not been reported in the literature in individuals affected with PCK2-related conditions. Invitae Evidence Modeling of protein sequence and biophysical properties (such as structural, functional, and spatial information, amino acid conservation, physicochemical variation, residue mobility, and thermodynamic stability) indicates that this missense variant is expected to disrupt PCK2 protein function with a positive predictive value of 80%. In summary, the available evidence is currently insufficient to determine the role of this variant in disease. Therefore, it has been classified as a Variant of Uncertain Significance.